The following is an entry in ClinVar:

NM_001849.4(COL6A2):c.1572+5G>A

Gene: COL6A2 (collagen type VI alpha 2 chain; plus strand). Cytogenetic location: 21q22.3.
Variant type: single nucleotide variant.
Coding change: c.1572+5G>A on transcript NM_001849.4 (MANE Select); 5 bases into the intron after coding-DNA position 1572, G replaced by A.
Molecular consequence: intron variant.
Genome position (GRCh38, 1-based): chr21:46,122,163, G>A. VCF-style: chr21-46122163-G-A. GRCh37 (hg19) VCF-style: chr21-47542077-G-A.
Other names: c.1572+5G>A (NM_058175.3, NM_058174.3).
Identifiers: ClinVar variation 2122395 (VCV002122395.4), dbSNP rs2517007861, ClinGen allele CA2577629677.

ClinVar aggregate classification (germline): Uncertain significance (1 of 4 stars; one submission).

Conditions:
Bethlem myopathy 1A. Also called: MYOPATHY, BENIGN CONGENITAL, WITH CONTRACTURES; Bethlem myopathy 1; Bethlem Muscular Dystrophy. Identifiers: Orphanet 610, MedGen CN029274, MONDO:0024530, OMIM 158810.

Submission:

Labcorp Genetics (formerly Invitae), Labcorp
Classification: Uncertain significance for Bethlem myopathy 1A. Last evaluated: 2022-05-11. Review status: criteria provided, single submitter. Criteria: Invitae Variant Classification Sherloc (09022015). Collection method: clinical testing. Allele origin: germline.
Comment: This sequence change falls in intron 19 of the COL6A2 gene. It does not directly change the encoded amino acid sequence of the COL6A2 protein. It affects a nucleotide within the consensus splice site. This variant is not present in population databases (gnomAD no frequency). This variant has not been reported in the literature in individuals affected with COL6A2-related conditions. Variants that disrupt the consensus splice site are a relatively common cause of aberrant splicing (PMID: 17576681, 9536098). Algorithms developed to predict the effect of sequence changes on RNA splicing suggest that this variant may disrupt the consensus splice site. In summary, the available evidence is currently insufficient to determine the role of this variant in disease. Therefore, it has been classified as a Variant of Uncertain Significance.

Literature cited by the submitters: PubMed 17576681; PubMed 9536098.